The following is an entry in ClinVar:

NM_000169.3(GLA):c.903_904insG (p.His302fs)

Genes: GLA (galactosidase alpha; minus strand), RPL36A-HNRNPH2 (RPL36A-HNRNPH2 readthrough; plus strand). Cytogenetic location: Xq22.1.
Variant type: Insertion.
Coding change: c.903_904insG on transcript NM_000169.3 (MANE Select); coding-DNA positions 903 to 904, G inserted.
Protein change: p.His302fs; shifts the reading frame from histidine 302.
Molecular consequence: frameshift variant. On other transcripts: non-coding transcript variant (3), intron variant (2).
Genome position: GRCh38 VCF-style: chrX-101398465-G-GC. GRCh37 (hg19) VCF-style: chrX-100653453-G-GC.
Other names: c.1026_1027insG, p.His343fs (NM_001406747.1); c.903_904insG, p.His302fs (NM_001406748.1); c.300+3008_300+3009insC (NM_001199973.2); c.177+6643_177+6644insC (NM_001199974.2); short protein forms H302fs, H343fs.
Identifiers: ClinVar variation 4087023 (VCV004087023.2).

ClinVar aggregate classification (germline): Pathogenic (1 of 4 stars; one submission).

Conditions:
Fabry disease. Also called: ALPHA-GALACTOSIDASE A DEFICIENCY; ANDERSON-FABRY DISEASE; CERAMIDE TRIHEXOSIDASE DEFICIENCY; GLA DEFICIENCY; HEREDITARY DYSTOPIC LIPIDOSIS; Angiokeratoma corporis diffusum. Identifiers: Orphanet 324, MedGen C0002986, MONDO:0010526, OMIM 301500, HP:0001071. Disease mechanism: Fabry disease is due to inactivating mutations in the X-linked GLA gene resulting in deficiency of the enzyme Alpha Galactosidase-A., loss of function.

Submission:

Genomenon, Inc
Classification: Pathogenic for Fabry disease. Last evaluated: 2026-09-08. Review status: criteria provided, single submitter. Criteria: Genomenon Sequence Variant Interpretation Standards - Updated. Collection method: curation. Allele origin: germline. Affected: yes.
Comment: GLA p.His302AlafsTer13 (c.903_904insG) is a frameshift variant that is predicted to introduce a premature termination codon and result in a truncated or absent protein product. This variant has been observed in at least one proband with clinical features consistent with Fabry disease (PMID:32127409). Functional or patient cell studies have been reported (PMID:32127409). It is absent or not present at a significant frequency in gnomAD. In conclusion, we classify GLA p.His302AlafsTer13 (c.903_904insG) as a pathogenic variant.

Literature cited by the submitters: PubMed 32127409.